The following is an entry in ClinVar:

ClinVar aggregate classification (germline): Uncertain significance. Review status: criteria provided, multiple submitters, no conflicts (2 of 4 stars). 3 submissions from 3 submitters: Uncertain significance (3). Last evaluated 2025-11-17.

Conditions:
Catecholaminergic polymorphic ventricular tachycardia (CVPT). Also called: Catecholamine-induced polymorphic ventricular tachycardia. Identifiers: Orphanet 3286, MedGen C5574922, MONDO:0017990.
Cardiomyopathy (CMYO). Also called: Cardiomyopathies. Identifiers: Orphanet 167848, MedGen C0878544, MONDO:0004994, HP:0001638. Inheritance: Various modes of inheritance.
Catecholaminergic polymorphic ventricular tachycardia 1. Also called: VENTRICULAR TACHYCARDIA, CATECHOLAMINERGIC POLYMORPHIC, 1, WITH OR WITHOUT ATRIAL DYSFUNCTION AND/OR DILATED CARDIOMYOPATHY; RYR2-Related Catecholaminergic Polymorphic Ventricular Tachycardia; VENTRICULAR TACHYCARDIA, STRESS-INDUCED POLYMORPHIC 1. Identifiers: Orphanet 3286, MedGen C1631597, MONDO:0011484, OMIM 604772.

Allele frequency attached by ClinVar (database versions not stated): gnomAD exomes 0.00001; ExAC 0.00002; gnomAD 0.00002; TOPMed 0.00003; ESP Exome Variant Server 0.00008.
gnomAD v4.1: 11 of 1,613,832 alleles (0.00068%); highest among the groups gnomAD compares: Admixed American, 0.005%; no homozygotes.

Submissions (3):

Labcorp Genetics (formerly Invitae), Labcorp
Classification: Uncertain significance for Catecholaminergic polymorphic ventricular tachycardia 1. Last evaluated: 2025-11-17. Review status: criteria provided, single submitter. Criteria: Invitae Variant Classification Sherloc (09022015). Collection method: clinical testing. Allele origin: germline.
Comment: This sequence change replaces alanine, which is neutral and non-polar, with valine, which is neutral and non-polar, at codon 1934 of the RYR2 protein (p.Ala1934Val). This variant is present in population databases (rs368009389, gnomAD 0.006%). This variant has not been reported in the literature in individuals affected with RYR2-related conditions. ClinVar contains an entry for this variant (Variation ID: 925603). Invitae Evidence Modeling of protein sequence and biophysical properties (such as structural, functional, and spatial information, amino acid conservation, physicochemical variation, residue mobility, and thermodynamic stability) indicates that this missense variant is not expected to disrupt RYR2 protein function with a negative predictive value of 95%. In summary, the available evidence is currently insufficient to determine the role of this variant in disease. Therefore, it has been classified as a Variant of Uncertain Significance.

All of Us Research Program, National Institutes of Health
Classification: Uncertain significance for Catecholaminergic polymorphic ventricular tachycardia. Last evaluated: 2024-09-27. Review status: criteria provided, single submitter. Criteria: ACMG Guidelines, 2015. Collection method: clinical testing. Allele origin: germline. Inheritance: Autosomal dominant inheritance. Observed: 7 variant alleles, 7 heterozygotes.
Comment: This missense variant replaces alanine with valine at codon 1934 of the RYR2 protein. Computational prediction suggests that this variant may not impact protein structure and function (internally defined REVEL score threshold <= 0.5, PMID: 27666373). To our knowledge, functional studies have not been reported for this variant. This variant has not been reported in individuals affected with cardiovascular disorders in the literature. This variant has been identified in 3/248928 chromosomes in the general population by the Genome Aggregation Database (gnomAD). The available evidence is insufficient to determine the role of this variant in disease conclusively. Therefore, this variant is classified as a Variant of Uncertain Significance.

This study involves interpretation of variants in research participants for the purpose of population health screening. Participant phenotype was not available at the time of variant classification. Additional details can be found in publication PMID: 35346344, PMCID: PMC8962531

Color Diagnostics, LLC DBA Color Health
Classification: Uncertain significance for Cardiomyopathy. Last evaluated: 2024-03-06. Review status: criteria provided, single submitter. Criteria: ACMG Guidelines, 2015. Collection method: clinical testing. Allele origin: germline.
Comment: This missense variant replaces alanine with valine at codon 1934 of the RYR2 protein. Computational prediction suggests that this variant may not impact protein structure and function (internally defined REVEL score threshold <= 0.5, PMID: 27666373). To our knowledge, functional studies have not been reported for this variant. This variant has not been reported in individuals affected with cardiovascular disorders in the literature. This variant has been identified in 3/248928 chromosomes in the general population by the Genome Aggregation Database (gnomAD). The available evidence is insufficient to determine the role of this variant in disease conclusively. Therefore, this variant is classified as a Variant of Uncertain Significance.

NM_001035.3(RYR2):c.5801C>T (p.Ala1934Val)

Gene: RYR2 (ryanodine receptor 2; plus strand). Cytogenetic location: 1q43.
Variant type: single nucleotide variant.
Coding change: c.5801C>T on transcript NM_001035.3 (MANE Select); coding-DNA position 5801, C replaced by T.
Protein change: p.Ala1934Val; replaces alanine 1934 with valine.
Molecular consequence: missense variant.
Genome position (GRCh38, 1-based): chr1:237,617,371, C>T. VCF-style: chr1-237617371-C-T. GRCh37 (hg19) VCF-style: chr1-237780671-C-T.
Other names: short protein forms A1934V.
Identifiers: ClinVar variation 925603 (VCV000925603.13), dbSNP rs368009389, ClinGen allele CA086976.